The following is an entry in ClinVar:

ClinVar aggregate classification (germline): Uncertain significance (1 of 4 stars; one submission).

Allele frequency attached by ClinVar (database versions not stated): gnomAD exomes 0.00001 and 0.00004; ExAC 0.00004.
gnomAD v4.1: 6 of 1,612,178 alleles (0.00037%); highest among the groups gnomAD compares: East Asian, 0.013%; no homozygotes.

Submission:

Labcorp Genetics (formerly Invitae), Labcorp
Classification: Uncertain significance. Last evaluated: 2024-07-29. Review status: criteria provided, single submitter. Criteria: Invitae Variant Classification Sherloc (09022015). Collection method: clinical testing. Allele origin: germline.
Comment: This sequence change replaces threonine, which is neutral and polar, with proline, which is neutral and non-polar, at codon 476 of the IL6ST protein (p.Thr476Pro). This variant is present in population databases (rs768817050, gnomAD 0.06%). This variant has not been reported in the literature in individuals affected with IL6ST-related conditions. ClinVar contains an entry for this variant (Variation ID: 1433980). An algorithm developed to predict the effect of missense changes on protein structure and function (PolyPhen-2) suggests that this variant is likely to be tolerated. In summary, the available evidence is currently insufficient to determine the role of this variant in disease. Therefore, it has been classified as a Variant of Uncertain Significance.

NM_002184.4(IL6ST):c.1426A>C (p.Thr476Pro)

Gene: IL6ST (interleukin 6 cytokine family signal transducer; minus strand). Cytogenetic location: 5q11.2.
Variant type: single nucleotide variant.
Coding change: c.1426A>C on transcript NM_002184.4 (MANE Select); coding-DNA position 1426, A replaced by C.
Protein change: p.Thr476Pro; replaces threonine 476 with proline.
Molecular consequence: missense variant. On other transcripts: 3 prime UTR variant (1), non-coding transcript variant (2), intron variant (1).
Genome position (GRCh38, 1-based): chr5:55,954,834, T>G on the plus strand (A>C on the coding strand, the complement: IL6ST is on the minus strand). VCF-style: chr5-55954834-T-G. GRCh37 (hg19) VCF-style: chr5-55250662-T-G.
Other names: c.1426A>C, p.Thr476Pro (NM_001364275.2); c.1216A>C, p.Thr406Pro (NM_001364276.2); c.559A>C, p.Thr187Pro (NM_001364277.2); c.523A>C, p.Thr175Pro (NM_001364278.2); c.430A>C, p.Thr144Pro (NM_001364279.2); c.*353A>C (NM_175767.3); c.1267+1191A>C (NM_001190981.2); short protein forms T406P, T476P, T144P, T187P, T175P.
Identifiers: ClinVar variation 1433980 (VCV001433980.8), dbSNP rs768817050, ClinGen allele CA3271431.